The following is an entry in ClinVar:

ClinVar aggregate classification (germline): Pathogenic (1 of 4 stars; one submission).

Submission:

Labcorp Genetics (formerly Invitae), Labcorp
Classification: Pathogenic. Last evaluated: 2023-01-31. Review status: criteria provided, single submitter. Criteria: Invitae Variant Classification Sherloc (09022015). Collection method: clinical testing. Allele origin: unknown.
Comment: For these reasons, this variant has been classified as Pathogenic. This variant has not been reported in the literature in individuals affected with VPS13A-related conditions. This variant is a gross deletion of the genomic region encompassing exon(s) 20 of the VPS13A gene. This deletion is out-of-frame, and is expected to create a premature termination codon and result in an absent or disrupted protein product. Loss-of-function variants in VPS13A are known to be pathogenic (PMID: 12404112, 21598378).

Literature cited by the submitters: PubMed 12404112; PubMed 21598378.

NC_000009.11:g.(?_79862155)_(79862331_?)del

Gene: VPS13A (vacuolar protein sorting 13 homolog A; plus strand). Cytogenetic location: 9q21.2.
Variant type: Deletion.
Identifiers: ClinVar variation 3245371 (VCV003245371.1).